The following is an entry in ClinVar:

ClinVar aggregate classification (germline): Uncertain significance (1 of 4 stars; one submission).

Conditions:
Neurofibromatosis, type 1 (NF1). Also called: NEUROFIBROMATOSIS, TYPE I, SOMATIC; VON RECKLINGHAUSEN DISEASE; Peripheral type neurofibromatosis; Neurofibromatosis, type I. Identifiers: Orphanet 636, MedGen C0027831, MONDO:0018975, OMIM 162200. Disease mechanism: loss of function.

Submission:

Labcorp Genetics (formerly Invitae), Labcorp
Classification: Uncertain significance for Neurofibromatosis, type 1. Last evaluated: 2024-09-03. Review status: criteria provided, single submitter. Criteria: Invitae Variant Classification Sherloc (09022015). Collection method: clinical testing. Allele origin: germline.
Comment: This sequence change replaces lysine, which is basic and polar, with glutamine, which is neutral and polar, at codon 1409 of the NF1 protein (p.Lys1409Gln). This variant is not present in population databases (gnomAD no frequency). This variant has not been reported in the literature in individuals affected with NF1-related conditions. ClinVar contains an entry for this variant (Variation ID: 1460854). Invitae Evidence Modeling of protein sequence and biophysical properties (such as structural, functional, and spatial information, amino acid conservation, physicochemical variation, residue mobility, and thermodynamic stability) indicates that this missense variant is not expected to disrupt NF1 protein function with a negative predictive value of 95%. In summary, the available evidence is currently insufficient to determine the role of this variant in disease. Therefore, it has been classified as a Variant of Uncertain Significance.

NM_001042492.3(NF1):c.4288A>C (p.Lys1430Gln)

Gene: NF1 (neurofibromin 1; plus strand). Cytogenetic location: 17q11.2.
Variant type: single nucleotide variant.
Coding change: c.4288A>C on transcript NM_001042492.3 (MANE Select); coding-DNA position 4288, A replaced by C.
Protein change: p.Lys1430Gln; replaces lysine 1430 with glutamine.
Molecular consequence: missense variant.
Genome position (GRCh38, 1-based): chr17:31,258,458, A>C. VCF-style: chr17-31258458-A-C. GRCh37 (hg19) VCF-style: chr17-29585476-A-C.
Other names: c.4225A>C, p.Lys1409Gln (NM_000267.4); short protein forms K1409Q, K1430Q.
Identifiers: ClinVar variation 1460854 (VCV001460854.8), dbSNP rs2151462099, ClinGen allele CA398998024.